The following is an entry in ClinVar:

ClinVar aggregate classification (germline): Uncertain significance (1 of 4 stars; one submission).

Conditions:
Werner syndrome (WRN). Identifiers: Orphanet 902, MedGen C0043119, MONDO:0010196, OMIM 277700.

Submission:

Labcorp Genetics (formerly Invitae), Labcorp
Classification: Uncertain significance for Werner syndrome. Last evaluated: 2023-09-29. Review status: criteria provided, single submitter. Criteria: Invitae Variant Classification Sherloc (09022015). Collection method: clinical testing. Allele origin: germline.
Comment: In summary, the available evidence is currently insufficient to determine the role of this variant in disease. Therefore, it has been classified as a Variant of Uncertain Significance. An algorithm developed to predict the effect of missense changes on protein structure and function (PolyPhen-2) suggests that this variant is likely to be disruptive. ClinVar contains an entry for this variant (Variation ID: 649810). This variant has not been reported in the literature in individuals affected with WRN-related conditions. This variant is not present in population databases (gnomAD no frequency). This sequence change replaces serine, which is neutral and polar, with phenylalanine, which is neutral and non-polar, at codon 790 of the WRN protein (p.Ser790Phe).

NM_000553.6(WRN):c.2369C>T (p.Ser790Phe)

Gene: WRN (WRN RecQ like helicase; plus strand). Cytogenetic location: 8p12.
Variant type: single nucleotide variant.
Coding change: c.2369C>T on transcript NM_000553.6 (MANE Select); coding-DNA position 2369, C replaced by T.
Protein change: p.Ser790Phe; replaces serine 790 with phenylalanine.
Molecular consequence: missense variant.
Genome position (GRCh38, 1-based): chr8:31,116,449, C>T. VCF-style: chr8-31116449-C-T. GRCh37 (hg19) VCF-style: chr8-30973965-C-T.
Other names: short protein forms S790F.
Identifiers: ClinVar variation 649810 (VCV000649810.4), dbSNP rs1585478391, ClinGen allele CA370913685.